The following is an entry in ClinVar:

ClinVar aggregate classification (germline): Uncertain significance. Review status: criteria provided, multiple submitters, no conflicts (2 of 4 stars). 2 submissions from 2 submitters: Uncertain significance (2). Last evaluated 2025-11-12.

Conditions:
Inborn genetic diseases. Identifiers: MedGen C0950123, MeSH D030342.

gnomAD v4.1: 23 of 1,611,834 alleles (0.0014%); highest among the groups gnomAD compares: African/African-American, 0.0027%; no homozygotes.

Submissions (2):

Ambry Genetics
Classification: Uncertain significance for Inborn genetic diseases. Last evaluated: 2025-11-12. Review status: criteria provided, single submitter. Criteria: Ambry Variant Classification Scheme 2023. Collection method: clinical testing. Allele origin: germline.

Labcorp Genetics (formerly Invitae), Labcorp
Classification: Uncertain significance. Last evaluated: 2024-10-14. Review status: criteria provided, single submitter. Criteria: Invitae Variant Classification Sherloc (09022015). Collection method: clinical testing. Allele origin: germline.
Comment: This sequence change replaces glycine, which is neutral and non-polar, with tryptophan, which is neutral and slightly polar, at codon 51 of the PROP1 protein (p.Gly51Trp). This variant is present in population databases (no rsID available, gnomAD 0.003%). This variant has not been reported in the literature in individuals affected with PROP1-related conditions. Invitae Evidence Modeling of protein sequence and biophysical properties (such as structural, functional, and spatial information, amino acid conservation, physicochemical variation, residue mobility, and thermodynamic stability) has been performed for this missense variant. However, the output from this modeling did not meet the statistical confidence thresholds required to predict the impact of this variant on PROP1 protein function. In summary, the available evidence is currently insufficient to determine the role of this variant in disease. Therefore, it has been classified as a Variant of Uncertain Significance.

NM_006261.5(PROP1):c.151G>T (p.Gly51Trp)

Gene: PROP1 (PROP paired-like homeobox 1; minus strand). Cytogenetic location: 5q35.3.
Variant type: single nucleotide variant.
Coding change: c.151G>T on transcript NM_006261.5 (MANE Select); coding-DNA position 151, G replaced by T.
Protein change: p.Gly51Trp; replaces glycine 51 with tryptophan.
Molecular consequence: missense variant.
Genome position (GRCh38, 1-based): chr5:177,994,297, C>A on the plus strand (G>T on the coding strand, the complement: PROP1 is on the minus strand). VCF-style: chr5-177994297-C-A. GRCh37 (hg19) VCF-style: chr5-177421298-C-A.
Other names: c.151G>T (NM_006261.4); short protein forms G51W.
Identifiers: ClinVar variation 3702541 (VCV003702541.2).
Genomic context (GRCh38, chr5:177,994,297, plus strand): 5'-GGCGCCGGGAGTGCGGGCGGCCCCTCTGTCCTCCTTGCGGGGAGAACCTTGATCTCCCCC[C>A]TCCTGCACCAGGGAGCCTTCTGCAGGGTGGAGCACTCGAGTCTGAGAACGGAGAGAAGGG-3'
Protein context (NP_006252.4, residues 41-61): PPCRRLPGAG[Gly51Trp]GRSRFSPQGG